The following is an entry in ClinVar:

ClinVar aggregate classification (germline): Conflicting classifications of pathogenicity. Review status: criteria provided, conflicting classifications (1 of 4 stars). 5 submissions from 5 submitters: Uncertain significance (3); Likely benign (2). Last evaluated 2025-04-24.

Conditions:
Ehlers-Danlos syndrome (EDS). Identifiers: Orphanet 98249, MedGen C0013720, MONDO:0020066.
Cardiovascular phenotype. Identifiers: MedGen CN230736.

Allele frequency attached by ClinVar (database versions not stated): ExAC 0.00006; gnomAD exomes 0.00015 and 0.00011; gnomAD 0.00022 and 0.00021; TOPMed 0.00019.
gnomAD v4.1: 233 of 1,550,192 alleles (0.015%); highest among the groups gnomAD compares: Admixed American, 0.02%; no homozygotes.

Submissions (5):

Women's Health and Genetics/Laboratory Corporation of America, LabCorp
Classification: Uncertain significance. Last evaluated: 2025-04-24. Review status: criteria provided, single submitter. Criteria: LabCorp Variant Classification Summary - May 2015. Collection method: clinical testing. Allele origin: germline.
Comment: Variant summary: ZNF469 c.760G>A (p.Glu254Lys) results in a conservative amino acid change in the encoded protein sequence. Four of four in-silico tools predict a benign effect of the variant on protein function. The variant allele was found at a frequency of 0.00011 in 151418 control chromosomes (gnomAD). This frequency is not significantly higher than estimated for a pathogenic variant in ZNF469 causing Brittle cornea syndrome 1, allowing no conclusion about variant significance. c.760G>A has been observed in individuals affected with keratoconus (Fransen_2021, Lombardo2024). These reports do not provide unequivocal conclusions about association of the variant with Brittle cornea syndrome 1. To our knowledge, no experimental evidence demonstrating an impact on protein function has been reported. The following publications have been ascertained in the context of this evaluation (PMID: 33737726, 38684849). ClinVar contains an entry for this variant (Variation ID: 1429787). Based on the evidence outlined above, the variant was classified as uncertain significance.

Mayo Clinic Laboratories, Mayo Clinic
Classification: Likely benign. Last evaluated: 2025-04-04. Review status: criteria provided, single submitter. Criteria: ACMG Guidelines, 2015. Collection method: clinical testing. Allele origin: germline. Observed: 2 variant alleles.
Comment: BS1, BP4_strong

Labcorp Genetics (formerly Invitae), Labcorp
Classification: Uncertain significance. Last evaluated: 2022-08-08. Review status: criteria provided, single submitter. Criteria: Invitae Variant Classification Sherloc (09022015). Collection method: clinical testing. Allele origin: germline.
Comment: This sequence change replaces glutamic acid, which is acidic and polar, with lysine, which is basic and polar, at codon 254 of the ZNF469 protein (p.Glu254Lys). This variant is present in population databases (rs755977911, gnomAD 0.03%). This variant has not been reported in the literature in individuals affected with ZNF469-related conditions. ClinVar contains an entry for this variant (Variation ID: 1429787). Algorithms developed to predict the effect of missense changes on protein structure and function output the following: SIFT: "Tolerated"; PolyPhen-2: "Possibly Damaging"; Align-GVGD: "Class C0". The lysine amino acid residue is found in multiple mammalian species, which suggests that this missense change does not adversely affect protein function. In summary, the available evidence is currently insufficient to determine the role of this variant in disease. Therefore, it has been classified as a Variant of Uncertain Significance.

Ambry Genetics
Classification: Likely benign for Cardiovascular phenotype. Last evaluated: 2021-08-17. Review status: criteria provided, single submitter. Criteria: Ambry Variant Classification Scheme 2023. Collection method: clinical testing. Allele origin: germline.

Genome Diagnostics Laboratory, The Hospital for Sick Children
Classification: Uncertain significance for Ehlers-Danlos syndrome. Last evaluated: 2019-02-01. Review status: criteria provided, single submitter. Criteria: ACMG Guidelines, 2015. Collection method: clinical testing. Allele origin: germline.

Literature cited by the submitters: PubMed 33737726 (cited by Women's Health and Genetics/Laboratory Corporation of America, LabCorp); PubMed 38684849 (cited by Women's Health and Genetics/Laboratory Corporation of America, LabCorp).

NM_001367624.2(ZNF469):c.760G>A (p.Glu254Lys)

Gene: ZNF469 (zinc finger protein 469; plus strand). Cytogenetic location: 16q24.2.
Variant type: single nucleotide variant.
Coding change: c.760G>A on transcript NM_001367624.2 (MANE Select); coding-DNA position 760, G replaced by A.
Protein change: p.Glu254Lys; replaces glutamic acid 254 with lysine.
Molecular consequence: missense variant.
Genome position (GRCh38, 1-based): chr16:88,428,230, G>A. VCF-style: chr16-88428230-G-A. GRCh37 (hg19) VCF-style: chr16-88494638-G-A.
Other names: NM_001127464.2:c.760G>A; NM_001127464.1:c.760G>A; p.Glu254Lys; short protein forms E254K.
Identifiers: ClinVar variation 1429787 (VCV001429787.11), dbSNP rs755977911, ClinGen allele CA8224625.
Genomic context (GRCh38, chr16:88,428,230, plus strand): 5'-TCCTGGCCTCCCGCTGCTGAGAATAGCTTCCCAGGTGCTAATTTCGGGGTTCCCCCCGCC[G>A]AGCCGGAACCTATTCCCAAAGGCAGCAGGCCCGGCGGCAGCCCCAGGGGAGTTTCCTTCC-3'
Protein context (NP_001354553.1, residues 244-264): PGANFGVPPA[Glu254Lys]PEPIPKGSRP